The following is an entry in ClinVar:

NM_003839.4(TNFRSF11A):c.628T>C (p.Tyr210His)

Gene: TNFRSF11A (TNF receptor superfamily member 11a; plus strand). Cytogenetic location: 18q21.33.
Variant type: single nucleotide variant.
Coding change: c.628T>C on transcript NM_003839.4 (MANE Select); coding-DNA position 628, T replaced by C.
Protein change: p.Tyr210His; replaces tyrosine 210 with histidine.
Molecular consequence: missense variant. On other transcripts: intron variant (1).
Genome position (GRCh38, 1-based): chr18:62,361,691, T>C. VCF-style: chr18-62361691-T-C. GRCh37 (hg19) VCF-style: chr18-60028924-T-C.
Other names: c.628T>C, p.Tyr210His (NM_001270949.2, NM_001270950.2); c.586T>C, p.Tyr196His (NM_001278268.2); c.616+1642T>C (NM_001270951.2); short protein forms Y196H, Y210H.
Identifiers: ClinVar variation 3670343 (VCV003670343.2).
Genomic context (GRCh38, chr18:62,361,691, plus strand): 5'-AAAATTAAAGAATCTTTACTACCATATTTCTCATTTTCTTCCAATACAGAACCCCATGTT[T>C]ACTTGCCCGGTTTAATAATTCTGCTTCTCTTCGCGTCTGTGGCCCTGGTGGCTGCCATCA-3'
Protein context (NP_003830.1, residues 200-220): ARKPPNEPHV[Tyr210His]LPGLIILLLF

ClinVar aggregate classification (germline): Uncertain significance (1 of 4 stars; one submission).

gnomAD v4.1: 7 of 1,614,012 alleles (0.00043%); highest among the groups gnomAD compares: Admixed American, 0.0083%; no homozygotes.

Submission:

Labcorp Genetics (formerly Invitae), Labcorp
Classification: Uncertain significance. Last evaluated: 2024-10-06. Review status: criteria provided, single submitter. Criteria: Invitae Variant Classification Sherloc (09022015). Collection method: clinical testing. Allele origin: germline.
Comment: This sequence change replaces tyrosine, which is neutral and polar, with histidine, which is basic and polar, at codon 210 of the TNFRSF11A protein (p.Tyr210His). This variant is present in population databases (rs772749823, gnomAD 0.006%). This variant has not been reported in the literature in individuals affected with TNFRSF11A-related conditions. Invitae Evidence Modeling of protein sequence and biophysical properties (such as structural, functional, and spatial information, amino acid conservation, physicochemical variation, residue mobility, and thermodynamic stability) indicates that this missense variant is not expected to disrupt TNFRSF11A protein function with a negative predictive value of 80%. In summary, the available evidence is currently insufficient to determine the role of this variant in disease. Therefore, it has been classified as a Variant of Uncertain Significance.